The following is an entry in ClinVar:

NM_017763.6(RNF43):c.1580C>A (p.Thr527Asn)

Gene: RNF43 (ring finger protein 43; minus strand). Cytogenetic location: 17q22.
Variant type: single nucleotide variant.
Coding change: c.1580C>A on transcript NM_017763.6 (MANE Select); coding-DNA position 1580, C replaced by A.
Protein change: p.Thr527Asn; replaces threonine 527 with asparagine.
Molecular consequence: missense variant.
Genome position (GRCh38, 1-based): chr17:58,358,196, G>T on the plus strand (C>A on the coding strand, the complement: RNF43 is on the minus strand). VCF-style: chr17-58358196-G-T. GRCh37 (hg19) VCF-style: chr17-56435557-G-T.
Other names: c.1580C>A, p.Thr527Asn (NM_001305544.3, NM_001438820.1, NM_001438821.1 and 1 more transcripts); c.1199C>A, p.Thr400Asn (NM_001305545.2, NM_001437987.1); short protein forms T400N, T527N.
Identifiers: ClinVar variation 4863378 (VCV004863378.1).

ClinVar aggregate classification (germline): Uncertain significance (1 of 4 stars; one submission).

gnomAD v4.1: 2 of 1,612,928 alleles (0.00012%); highest among the groups gnomAD compares: African/African-American, 0.0027%; no homozygotes.

Submission:

Ambry Genetics
Classification: Uncertain significance. Last evaluated: 2026-03-19. Review status: criteria provided, single submitter. Criteria: Ambry Variant Classification Scheme 2023. Collection method: clinical testing. Allele origin: germline.
Comment: The p.T527N variant (also known as c.1580C>A), located in coding exon 8 of the RNF43 gene, results from a C to A substitution at nucleotide position 1580. The threonine at codon 527 is replaced by asparagine, an amino acid with similar properties. This amino acid position is conserved. In addition, this alteration is predicted to be tolerated by in silico analysis. Based on the available evidence, the clinical significance of this variant remains unclear.